The following is an entry in ClinVar:

ClinVar aggregate classification (germline): Uncertain significance. Review status: criteria provided, multiple submitters, no conflicts (2 of 4 stars). 2 submissions from 2 submitters: Uncertain significance (2). Last evaluated 2025-09-22.

Conditions:
Amyotrophic lateral sclerosis type 1 (ALS1). Also called: AMYOTROPHIC LATERAL SCLEROSIS 1, FAMILIAL. Identifiers: Orphanet 803, MedGen C1862939, MONDO:0007103, OMIM 105400.
Perry syndrome. Also called: PARKINSONISM WITH ALVEOLAR HYPOVENTILATION AND MENTAL DEPRESSION. Identifiers: Orphanet 178509, MedGen C1868594, MONDO:0008201, OMIM 168605.
Neuronopathy, distal hereditary motor, type 7B. Also called: HMN VIIB; NEURONOPATHY, DISTAL HEREDITARY MOTOR, AUTOSOMAL DOMINANT 14; NEURONOPATHY, DISTAL HEREDITARY MOTOR, HARDING TYPE VIIB; NEUROPATHY, DISTAL HEREDITARY MOTOR, HARDING TYPE VIIB; NEUROPATHY, DISTAL HEREDITARY MOTOR, WITH VOCAL CORD PARALYSIS, HARDING TYPE VIIB; Distal Hereditary Motor Neuronopathy Type 7B (dHMN7B). Identifiers: Orphanet 139589, MedGen C1843315, MONDO:0011879, OMIM 607641.

Allele frequency attached by ClinVar (database versions not stated): gnomAD exomes below 0.00001 and 0.00001; ExAC 0.00001; gnomAD 0.00002.
gnomAD v4.1: 16 of 1,614,080 alleles (0.00099%); highest among the groups gnomAD compares: Admixed American, 0.0033%; no homozygotes.

Submissions (2):

Labcorp Genetics (formerly Invitae), Labcorp
Classification: Uncertain significance for Amyotrophic lateral sclerosis type 1; Neuronopathy, distal hereditary motor, type 7B; Perry syndrome. Last evaluated: 2025-09-22. Review status: criteria provided, single submitter. Criteria: Invitae Variant Classification Sherloc (09022015). Collection method: clinical testing. Allele origin: germline.
Comment: This sequence change replaces arginine, which is basic and polar, with cysteine, which is neutral and slightly polar, at codon 521 of the DCTN1 protein (p.Arg521Cys). This variant is present in population databases (rs756634587, gnomAD 0.005%). This variant has not been reported in the literature in individuals affected with DCTN1-related conditions. ClinVar contains an entry for this variant (Variation ID: 808778). Invitae Evidence Modeling of protein sequence and biophysical properties (such as structural, functional, and spatial information, amino acid conservation, physicochemical variation, residue mobility, and thermodynamic stability) has been performed for this missense variant. However, the output from this modeling did not meet the statistical confidence thresholds required to predict the impact of this variant on DCTN1 protein function. In summary, the available evidence is currently insufficient to determine the role of this variant in disease. Therefore, it has been classified as a Variant of Uncertain Significance.

CeGaT Center for Human Genetics Tuebingen
Classification: Uncertain significance. Last evaluated: 2024-02-01. Review status: criteria provided, single submitter. Criteria: CeGaT Center For Human Genetics Tuebingen Variant Classification Criteria Version 2. Collection method: clinical testing. Allele origin: germline. Affected: yes. Observed: 1 variant allele.
Comment: DCTN1: PM2, PP3

NM_004082.5(DCTN1):c.1561C>T (p.Arg521Cys)

Gene: DCTN1 (dynactin subunit 1; minus strand). Cytogenetic location: 2p13.1.
Variant type: single nucleotide variant.
Coding change: c.1561C>T on transcript NM_004082.5 (MANE Select); coding-DNA position 1561, C replaced by T.
Protein change: p.Arg521Cys; replaces arginine 521 with cysteine.
Molecular consequence: missense variant. On other transcripts: non-coding transcript variant (1).
Genome position (GRCh38, 1-based): chr2:74,369,323, G>A on the plus strand (C>T on the coding strand, the complement: DCTN1 is on the minus strand). VCF-style: chr2-74369323-G-A. GRCh37 (hg19) VCF-style: chr2-74596450-G-A.
Other names: c.1501C>T, p.Arg501Cys (NM_001135040.3); c.1159C>T, p.Arg387Cys (NM_001135041.3, NM_023019.4); c.1450C>T, p.Arg484Cys (NM_001190836.2); c.1540C>T, p.Arg514Cys (NM_001190837.2); c.1510C>T, p.Arg504Cys (NM_001378991.1); c.1492C>T, p.Arg498Cys (NM_001378992.1); short protein forms R387C, R484C, R501C, R514C, R521C, R498C, R504C.
Identifiers: ClinVar variation 808778 (VCV000808778.45), dbSNP rs756634587, ClinGen allele CA1722120.
Genomic context (GRCh38, chr2:74,369,323, plus strand): 5'-GGTGATGGTGGGCAGAGAGCAAACAGTGGGCATGTACCTGTAGATGGGCGGTCAGCTGGC[G>A]GTACTTCTTGATGGTCTGCTGGTAGTCTGCAACCGTCTCCTGGGCTGCCTCCACACGCTT-3'
Protein context (NP_004073.2, residues 511-531): ADYQQTIKKY[Arg521Cys]QLTAHLQDVN